The following is an entry in ClinVar:

ClinVar aggregate classification (germline): Uncertain significance. Review status: criteria provided, multiple submitters, no conflicts (2 of 4 stars). 3 submissions from 3 submitters: Uncertain significance (3). Last evaluated 2024-10-09.

Conditions:
Inborn genetic diseases. Identifiers: MedGen C0950123, MeSH D030342.
Myofibrillar myopathy 3 (MFM3). Also called: Muscular dystrophy, proximal, type 1A; Autosomal dominant spheroid body myopathy. Identifiers: Orphanet 266, Orphanet 268129, MedGen C3714934, MONDO:0012215, OMIM 609200.

Submissions (3):

Ambry Genetics
Classification: Uncertain significance for Inborn genetic diseases. Last evaluated: 2024-10-09. Review status: criteria provided, single submitter. Criteria: Ambry Variant Classification Scheme 2023. Collection method: clinical testing. Allele origin: germline.

Labcorp Genetics (formerly Invitae), Labcorp
Classification: Uncertain significance for Myofibrillar myopathy 3. Last evaluated: 2022-06-20. Review status: criteria provided, single submitter. Criteria: Invitae Variant Classification Sherloc (09022015). Collection method: clinical testing. Allele origin: germline.
Comment: In summary, the available evidence is currently insufficient to determine the role of this variant in disease. Therefore, it has been classified as a Variant of Uncertain Significance. Algorithms developed to predict the effect of missense changes on protein structure and function (SIFT, PolyPhen-2, Align-GVGD) all suggest that this variant is likely to be tolerated. ClinVar contains an entry for this variant (Variation ID: 499699). This variant has not been reported in the literature in individuals affected with MYOT-related conditions. This variant is not present in population databases (gnomAD no frequency). This sequence change replaces threonine, which is neutral and polar, with lysine, which is basic and polar, at codon 86 of the MYOT protein (p.Thr86Lys).

Eurofins Ntd Llc (ga)
Classification: Uncertain significance. Last evaluated: 2017-01-05. Review status: criteria provided, single submitter. Criteria: EGL Classification Definitions 2015. Collection method: clinical testing. Allele origin: germline. Observed: 1 variant allele, 1 heterozygote.

NM_006790.3(MYOT):c.257C>A (p.Thr86Lys)

Genes: PKD2L2-DT (PKD2L2 divergent transcript; minus strand), MYOT (myotilin; plus strand). Cytogenetic location: 5q31.2.
Variant type: single nucleotide variant.
Coding change: c.257C>A on transcript NM_006790.3 (MANE Select); coding-DNA position 257, C replaced by A.
Protein change: p.Thr86Lys; replaces threonine 86 with lysine.
Molecular consequence: missense variant. On other transcripts: 5 prime UTR variant (1), intron variant (1).
Genome position (GRCh38, 1-based): chr5:137,870,908, C>A. VCF-style: chr5-137870908-C-A. GRCh37 (hg19) VCF-style: chr5-137206597-C-A.
Other names: c.-89C>A (NM_001300911.2); c.-197+383C>A (NM_001135940.2); short protein forms T86K.
Identifiers: ClinVar variation 499699 (VCV000499699.15), dbSNP rs1205992276, ClinGen allele CA361053325.
Genomic context (GRCh38, chr5:137,870,908, plus strand): 5'-CCTCTGCTTTCCCTGCTTCTCCCCAGCAGCATGCTGGCTCCAACCCAGGCCAAAGGGTTA[C>A]AACCACCTATAACCAGTCCCCAGCCAGCTTCCTCAGCTCCATATTACCATCACAGCCTGA-3'
Protein context (NP_006781.1, residues 76-96): HAGSNPGQRV[Thr86Lys]TTYNQSPASF